The following is an entry in ClinVar:

NM_001190.4(BCAT2):c.739C>T (p.Arg247Trp)

Gene: BCAT2 (branched chain amino acid transaminase 2; minus strand). Cytogenetic location: 19q13.33.
Variant type: single nucleotide variant.
Coding change: c.739C>T on transcript NM_001190.4 (MANE Select); coding-DNA position 739, C replaced by T.
Protein change: p.Arg247Trp; replaces arginine 247 with tryptophan.
Molecular consequence: missense variant.
Genome position (GRCh38, 1-based): chr19:48,797,290, G>A on the plus strand (C>T on the coding strand, the complement: BCAT2 is on the minus strand). VCF-style: chr19-48797290-G-A. GRCh37 (hg19) VCF-style: chr19-49300547-G-A.
Other names: c.463C>T, p.Arg155Trp (NM_001164773.2); c.619C>T, p.Arg207Trp (NM_001284325.2); short protein forms R155W, R207W, R247W.
Identifiers: ClinVar variation 2377461 (VCV002377461.6), dbSNP rs376223693, ClinGen allele CA9558327.

ClinVar aggregate classification (germline): Uncertain significance. Review status: criteria provided, multiple submitters, no conflicts (2 of 4 stars). 2 submissions from 2 submitters: Uncertain significance (2). Last evaluated 2025-11-06.

Allele frequency attached by ClinVar (database versions not stated): ExAC 0.00003; gnomAD exomes 0.00002; gnomAD 0.00003; TOPMed 0.00003; ESP Exome Variant Server 0.00008.

Submissions (2):

Ambry Genetics
Classification: Uncertain significance. Last evaluated: 2025-11-06. Review status: criteria provided, single submitter. Criteria: Ambry Variant Classification Scheme 2023. Collection method: clinical testing. Allele origin: germline.
Comment: The c.739C>T (p.R247W) alteration is located in exon 7 (coding exon 7) of the BCAT2 gene. This alteration results from a C to T substitution at nucleotide position 739, causing the arginine (R) at amino acid position 247 to be replaced by a tryptophan (W). Based on data from gnomAD, the T allele has an overall frequency of 0.003% (7/250864) total alleles studied. The highest observed frequency was 0.01% (3/30580) of South Asian alleles. Based on insufficient or conflicting evidence, the clinical significance of this alteration remains unclear.

Labcorp Genetics (formerly Invitae), Labcorp
Classification: Uncertain significance. Last evaluated: 2025-09-09. Review status: criteria provided, single submitter. Criteria: Invitae Variant Classification Sherloc (09022015). Collection method: clinical testing. Allele origin: germline.
Comment: This sequence change replaces arginine, which is basic and polar, with tryptophan, which is neutral and slightly polar, at codon 247 of the BCAT2 protein (p.Arg247Trp). This variant is present in population databases (rs376223693, gnomAD 0.01%). This variant has not been reported in the literature in individuals affected with BCAT2-related conditions. ClinVar contains an entry for this variant (Variation ID: 2377461). Invitae Evidence Modeling of protein sequence and biophysical properties (such as structural, functional, and spatial information, amino acid conservation, physicochemical variation, residue mobility, and thermodynamic stability) indicates that this missense variant is not expected to disrupt BCAT2 protein function with a negative predictive value of 80%. In summary, the available evidence is currently insufficient to determine the role of this variant in disease. Therefore, it has been classified as a Variant of Uncertain Significance.